The following is an entry in ClinVar:

ClinVar aggregate classification (germline): Benign (3 of 4 stars; one submission).

Conditions:
Breast-ovarian cancer, familial, susceptibility to, 1 (BROVCA1). Also called: BRCA1 Hereditary Breast and Ovarian Cancer; OVARIAN CANCER, SUSCEPTIBILITY TO. Identifiers: Orphanet 145, MedGen C2676676, MONDO:0011450, OMIM 604370. Disease mechanism: loss of function.

Allele frequency attached by ClinVar (database versions not stated): 1000 Genomes Project 0.01398; 1000 Genomes Project 30x 0.01421; TOPMed 0.01575.
gnomAD v4.1: 2,138 of 149,750 alleles (1.4%); highest among the groups gnomAD compares: African/African-American, 5%; 67 homozygotes.

Submission:

Evidence-based Network for the Interpretation of Germline Mutant Alleles (ENIGMA)
Classification: Benign for Breast-ovarian cancer, familial 1. Last evaluated: 2015-01-12. Review status: reviewed by expert panel. Criteria: ENIGMA BRCA1/2 Classification Criteria (2015). Collection method: curation. Allele origin: germline.
Comment: Class 1 not pathogenic based on frequency >1% in an outbred sampleset. Frequency 0.06504 (African), derived from 1000 genomes (2012-04-30).

NM_007294.4(BRCA1):c.5074+918G>A

Gene: BRCA1 (BRCA1 DNA repair associated; minus strand). Cytogenetic location: 17q21.31.
Variant type: single nucleotide variant.
Coding change: c.5074+918G>A on transcript NM_007294.4 (MANE Select); 918 bases into the intron after coding-DNA position 5074, G replaced by A.
Molecular consequence: intron variant.
Genome position (GRCh38, 1-based): chr17:43,066,690, C>T on the plus strand (G>A on the coding strand, the complement: BRCA1 is on the minus strand). VCF-style: chr17-43066690-C-T. GRCh37 (hg19) VCF-style: chr17-41218707-C-T.
Other names: IVS 17+918G>A; c.1621+918G>A (NM_001408458.1, NM_001408461.1, NM_001408464.1 and 7 more transcripts); c.4183+918G>A (NM_001407967.1); c.4693+918G>A (NM_001407959.1); c.4807+918G>A (NM_001407931.1, NM_001407932.1, NM_001407928.1 and 4 more transcripts); c.4930+918G>A (NM_001407747.1, NM_001407745.1, NM_001407737.1 and 21 more transcripts); c.4690+918G>A (NM_001407962.1, NM_001407960.1); c.1261+918G>A (NM_001408512.1); and 72 more.
Identifiers: ClinVar variation 209342 (VCV000209342.2), dbSNP rs8176238, ClinGen allele CA276314.